The following is an entry in ClinVar:

NM_000548.5(TSC2):c.2771T>C (p.Phe924Ser)

Gene: TSC2 (TSC complex subunit 2; plus strand). Cytogenetic location: 16p13.3.
Variant type: single nucleotide variant.
Coding change: c.2771T>C on transcript NM_000548.5 (MANE Select); coding-DNA position 2771, T replaced by C.
Protein change: p.Phe924Ser; replaces phenylalanine 924 with serine.
Molecular consequence: missense variant.
Genome position (GRCh38, 1-based): chr16:2,076,519, T>C. VCF-style: chr16-2076519-T-C. GRCh37 (hg19) VCF-style: chr16-2126520-T-C.
Other names: c.2624T>C, p.Phe875Ser (NM_001318829.2, NM_001406675.1, NM_001406676.1 and 1 more transcripts); c.2171T>C, p.Phe724Ser (NM_001318831.2, NM_001406680.1, NM_001406682.1 and 6 more transcripts); c.2804T>C, p.Phe935Ser (NM_001318832.2); c.2771T>C, p.Phe924Ser (NM_001363528.2, NM_001370404.1, NM_001370405.1 and 6 more transcripts); c.2861T>C, p.Phe954Ser (NM_001406667.1, NM_001406668.1); c.2309T>C, p.Phe770Ser (NM_001406681.1); c.1427T>C, p.Phe476Ser (NM_001406689.1, NM_001406690.1, NM_001406691.1 and 6 more transcripts); c.2660T>C, p.Phe887Ser (NM_001318827.2, NM_001406670.1, NM_001406678.1); and 3 more; short protein forms F887S, F476S, F875S, F954S, F770S, F905S, F390S, F724S.
Identifiers: ClinVar variation 1795818 (VCV001795818.3), dbSNP rs2543929873, ClinGen allele CA394279895.

ClinVar aggregate classification (germline): Uncertain significance. Review status: criteria provided, multiple submitters, no conflicts (2 of 4 stars). 2 submissions from 2 submitters: Uncertain significance (2). Last evaluated 2023-05-31.

Conditions:
Tuberous sclerosis syndrome (TSC). Also called: Tuberous sclerosis; Tuberous Sclerosis Complex. Identifiers: Orphanet 805, MedGen C0041341, MONDO:0001734.
Hereditary cancer-predisposing syndrome. Also called: Neoplastic Syndromes, Hereditary; Tumor predisposition; Hereditary neoplastic syndrome; Hereditary Cancer Syndrome. Identifiers: Orphanet 140162, MedGen C0027672, MeSH D009386, MONDO:0015356.

Allele frequency attached by ClinVar (database versions not stated): gnomAD exomes below 0.00001.
gnomAD v4.1: 1 of 1,613,462 alleles (0.000062%); highest among the groups gnomAD compares: Non-Finnish European, 0.000085%; no homozygotes.

Submissions (2):

All of Us Research Program, National Institutes of Health
Classification: Uncertain significance for Tuberous sclerosis syndrome. Last evaluated: 2023-05-31. Review status: criteria provided, single submitter. Criteria: ACMG Guidelines, 2015. Collection method: clinical testing. Allele origin: germline. Inheritance: Autosomal dominant inheritance. Observed: 1 variant allele, 1 heterozygote.
Comment: This study involves interpretation of variants in research participants for the purpose of population health screening. Participant phenotype was not available at the time of variant classification. Additional details can be found in publication PMID: 35346344, PMCID: PMC8962531

Ambry Genetics
Classification: Uncertain significance for Hereditary cancer-predisposing syndrome. Last evaluated: 2021-05-14. Review status: criteria provided, single submitter. Criteria: Ambry Variant Classification Scheme 2023. Collection method: clinical testing. Allele origin: germline.
Comment: The p.F924S variant (also known as c.2771T>C), located in coding exon 24 of the TSC2 gene, results from a T to C substitution at nucleotide position 2771. The phenylalanine at codon 924 is replaced by serine, an amino acid with highly dissimilar properties. This amino acid position is highly conserved in available vertebrate species. In addition, this alteration is predicted to be deleterious by in silico analysis. Since supporting evidence is limited at this time, the clinical significance of this alteration remains unclear.